The following is an entry in ClinVar:

NM_000290.4(PGAM2):c.143C>T (p.Ala48Val)

Genes: DBNL (drebrin like; plus strand), PGAM2 (phosphoglycerate mutase 2; minus strand). Cytogenetic location: 7p13.
Variant type: single nucleotide variant.
Coding change: c.143C>T on transcript NM_000290.4 (MANE Select); coding-DNA position 143, C replaced by T.
Protein change: p.Ala48Val; replaces alanine 48 with valine.
Molecular consequence: missense variant. On other transcripts: 3 prime UTR variant (6).
Genome position (GRCh38, 1-based): chr7:44,065,387, G>A on the plus strand (C>T on the coding strand, the complement: PGAM2 is on the minus strand). VCF-style: chr7-44065387-G-A. GRCh37 (hg19) VCF-style: chr7-44104986-G-A.
Other names: c.*4471G>A (NM_001014436.3, NM_001122956.2, NM_001284313.2 and 3 more transcripts); short protein forms A48V.
Identifiers: ClinVar variation 847748 (VCV000847748.9), dbSNP rs1308236739, ClinGen allele CA367370124.

ClinVar aggregate classification (germline): Uncertain significance (1 of 4 stars; one submission).

Conditions:
Glycogen storage disease type X (GSD10). Also called: Glycogen storage disease due to phosphoglycerate mutase deficiency; MYOPATHY DUE TO PHOSPHOGLYCERATE MUTASE DEFICIENCY; PGAMM DEFICIENCY; PHOSPHOGLYCERATE MUTASE, MUSCLE, DEFICIENCY OF; Dimauro disease; GSD X. Identifiers: Orphanet 97234, MedGen C0268149, MONDO:0009865, OMIM 261670.

Allele frequency attached by ClinVar (database versions not stated): gnomAD 0.00001; TOPMed 0.00001.
gnomAD v4.1: 3 of 1,613,906 alleles (0.00019%); highest among the groups gnomAD compares: Non-Finnish European, 0.00025%; no homozygotes.

Submission:

Labcorp Genetics (formerly Invitae), Labcorp
Classification: Uncertain significance for Glycogen storage disease type X. Last evaluated: 2022-08-09. Review status: criteria provided, single submitter. Criteria: Invitae Variant Classification Sherloc (09022015). Collection method: clinical testing. Allele origin: germline.
Comment: In summary, the available evidence is currently insufficient to determine the role of this variant in disease. Therefore, it has been classified as a Variant of Uncertain Significance. This sequence change replaces alanine, which is neutral and non-polar, with valine, which is neutral and non-polar, at codon 48 of the PGAM2 protein (p.Ala48Val). This variant is not present in population databases (gnomAD no frequency). This variant has not been reported in the literature in individuals affected with PGAM2-related conditions. ClinVar contains an entry for this variant (Variation ID: 847748). Algorithms developed to predict the effect of missense changes on protein structure and function output the following: SIFT: "Deleterious"; PolyPhen-2: "Probably Damaging"; Align-GVGD: "Class C0". The valine amino acid residue is found in multiple mammalian species, which suggests that this missense change does not adversely affect protein function.